The following is an entry in ClinVar:

NM_001134831.2(AHI1):c.3437A>G (p.Asn1146Ser)

Gene: AHI1 (Abelson helper integration site 1; minus strand). Cytogenetic location: 6q23.3.
Variant type: single nucleotide variant.
Coding change: c.3437A>G on transcript NM_001134831.2 (MANE Select); coding-DNA position 3437, A replaced by G.
Protein change: p.Asn1146Ser; replaces asparagine 1146 with serine.
Molecular consequence: missense variant.
Genome position (GRCh38, 1-based): chr6:135,300,548, T>C on the plus strand (A>G on the coding strand, the complement: AHI1 is on the minus strand). VCF-style: chr6-135300548-T-C. GRCh37 (hg19) VCF-style: chr6-135621686-T-C.
Other names: c.3437A>G, p.Asn1146Ser (NM_001134830.2, NM_001350503.2, NM_001350504.2 and 1 more transcripts); short protein forms N1146S.
Identifiers: ClinVar variation 2504166 (VCV002504166.2), dbSNP rs894163780, ClinGen allele CA148531302.

ClinVar aggregate classification (germline): Uncertain significance (1 of 4 stars; one submission).

Allele frequency attached by ClinVar (database versions not stated): TOPMed below 0.00001; gnomAD 0.00001; gnomAD exomes 0.00001.
gnomAD v4.1: 12 of 1,606,998 alleles (0.00075%); highest among the groups gnomAD compares: Admixed American, 0.0017%; no homozygotes.

Submission:

Centre of Medical Genetics, University Hospital Muenster
Classification: Uncertain significance. Last evaluated: 2023-03-20. Review status: criteria provided, single submitter. Criteria: ACMG Guidelines, 2015. Collection method: clinical testing. Allele origin: unknown. Affected: yes. Observed: 1 variant allele, 1 heterozygote.
Comment: ACMG categories: PM2,BP4